The following is an entry in ClinVar:

ClinVar aggregate classification (germline): Conflicting classifications of pathogenicity. Review status: criteria provided, conflicting classifications (1 of 4 stars). 7 submissions from 7 submitters: Pathogenic (1); Likely pathogenic (4); Uncertain significance (2). Last evaluated 2026-02-24.

Conditions:
Cardiovascular phenotype. Identifiers: MedGen CN230736.
Emery-Dreifuss muscular dystrophy (EDMD). Also called: Scapuloperoneal syndrome, X-linked (formerly); Humeroperoneal neuromuscular disease, (formerly). Identifiers: Orphanet 261, MedGen C0410189, MONDO:0016830.
Emery-Dreifuss muscular dystrophy 1, X-linked (EDMD1). Also called: Muscular dystrophy, tardive, Dreifuss-Emery type, with contractures; SCAPULOPERONEAL SYNDROME, X-LINKED; HUMEROPERONEAL NEUROMUSCULAR DISEASE; EMD-Related Emery-Dreifuss Muscular Dystrophy, X-Linked. Identifiers: MedGen CN375556, MONDO:0100531, OMIM 310300.
X-linked Emery-Dreifuss muscular dystrophy. Also called: Muscular dystrophy, tardive Emery-Dreifuss type, with contractures. Identifiers: Orphanet 261, Orphanet 98863, MedGen C0751337, MONDO:0010680.

Submissions (7):

Ambry Genetics
Classification: Uncertain significance for Cardiovascular phenotype. Last evaluated: 2026-02-24. Review status: criteria provided, single submitter. Criteria: Ambry Variant Classification Scheme 2023. Collection method: clinical testing. Allele origin: germline.
Comment: The c.110_112delAGA variant (also known as p.K37del) is located in coding exon 2 of the EMD gene. This variant results from an in-frame AGA deletion at nucleotide positions 110 to 112. This results in the in-frame deletion of a lysine at codon 37, in the LEM domain. The LEM domain is known to play a role in emerin interaction with other proteins involved in genome organization and cell mechanics. Some studies suggest loss of this amino acid residue perturbs the structure of the LEM domain, which is expected to have a deleterious impact on protein function, potentially impairing cellular response to mechanical stress, although the specific mechanism for the clinical impact remains unclear (Samson C et al. FEBS J, 2017 01;284:338-352; Essawy N et al. Cells, 2019 06;8; Ambry internal data). This variant segregated with disease in at least one family with features consistent with EMD-related Emery-Dreifuss muscular dystrophy (Karst ML et al. J Cardiovasc Electrophysiol, 2008 May;19:510-5). This amino acid position is highly conserved in available vertebrate species. In addition, this variant is predicted to be deleterious by in silico analysis (Choi Y et al. PLoS ONE. 2012; 7(10):e46688). Based on the available evidence, the clinical significance of this variant remains unclear.

GeneDx
Classification: Uncertain significance. Last evaluated: 2026-02-05. Review status: criteria provided, single submitter. Criteria: GeneDx Variant Classification Process June 2021. Collection method: clinical testing. Allele origin: germline. Affected: yes.
Comment: In-frame deletion of 1 amino acid in a non-repeat region; In silico analysis supports a deleterious effect on protein structure/function; Functional study suggests that this variant leads to impaired protein trafficking (PMID: 18266676); however, additional studies are needed to validate the functional effect of this variant in vivo; In silico analysis is inconclusive as to whether the variant alters gene splicing. In the absence of RNA/functional studies, the actual effect of this sequence change is unknown.; This variant is associated with the following publications: (PMID: 29540472, 18266676, 32880476, 31024910, 24365856, 36672271, 27960036, Tolmacheva 2023[preprint], 31185657, 17536044, TolmachevaE2023[Preprint], 37838930, 35352813)

Natera, Inc.
Classification: Likely pathogenic for Emery-Dreifuss muscular dystrophy. Last evaluated: 2025-08-15. Review status: criteria provided, single submitter. Criteria: Natera Variant Classification Schema (03/2026). Collection method: clinical testing. Allele origin: germline.
Comment: The c.110_112delAGA variant in EMD is an in-frame deletion predicted to remove lysine at amino acid 37 while preserving the reading frame. This variant is rare in the general population with a frequency below the threshold expected for the associated phenotype(s). This variant has been observed in affected individual(s) with monoallelic occurrence (heterozygous/hemizygous) (PMID: 18266676). Additionally, this variant has been observed to segregate in affected family members (PMID: 18266676). This variant results in a change to the protein length while preserving reading frame, which may disrupt normal protein structure or function. Given the available evidence, this variant is classified as Likely Pathogenic.

Labcorp Genetics (formerly Invitae), Labcorp
Classification: Likely pathogenic for X-linked Emery-Dreifuss muscular dystrophy. Last evaluated: 2025-08-06. Review status: criteria provided, single submitter. Criteria: Invitae Variant Classification Sherloc (09022015). Collection method: clinical testing. Allele origin: germline.
Comment: This variant, c.110_112del, results in the deletion of 1 amino acid(s) of the EMD protein (p.Lys37del), but otherwise preserves the integrity of the reading frame. This variant is present in population databases (rs782507902, gnomAD 0.009%). This variant has been observed in individual(s) with EMD-related conditions (PMID: 17536044, 29540472, 32880476, 37838930). It has also been observed to segregate with disease in related individuals. ClinVar contains an entry for this variant (Variation ID: 1066332). Algorithms developed to predict the effect of variants on gene product structure and function are not available or were not evaluated for this variant. Experimental studies have shown that this variant affects EMD function (PMID: 31185657). In summary, the currently available evidence indicates that the variant is pathogenic, but additional data are needed to prove that conclusively. Therefore, this variant has been classified as Likely Pathogenic.

Institute of Human Genetics Munich, TUM University Hospital
Classification: Likely pathogenic for Emery-Dreifuss muscular dystrophy 1, X-linked. Last evaluated: 2025-05-19. Review status: criteria provided, single submitter. Criteria: Classification criteria August 2017. Collection method: clinical testing. Allele origin: maternal. Inheritance: X-linked inheritance. Affected: yes. Observed: 1 variant allele.

Revvity Omics, Revvity
Classification: Likely pathogenic for Emery-Dreifuss muscular dystrophy 1, X-linked. Last evaluated: 2025-05-08. Review status: criteria provided, single submitter. Criteria: ACMG Guidelines, 2015. Collection method: clinical testing. Allele origin: germline.

Fulgent Genetics
Classification: Pathogenic for Emery-Dreifuss muscular dystrophy 1, X-linked. Last evaluated: 2022-02-04. Review status: criteria provided, single submitter. Criteria: ACMG Guidelines, 2015. Collection method: clinical testing. Allele origin: unknown.

Literature cited by the submitters: PubMed 17536044 (cited by Ambry Genetics and Labcorp Genetics (formerly Invitae), Labcorp); PubMed 18266676 (cited by Ambry Genetics and Natera, Inc.); PubMed 27960036 (cited by Ambry Genetics); PubMed 29540472 (cited by Ambry Genetics and Labcorp Genetics (formerly Invitae), Labcorp); PubMed 31185657 (cited by Ambry Genetics and Labcorp Genetics (formerly Invitae), Labcorp); PubMed 32880476 (cited by Ambry Genetics and Labcorp Genetics (formerly Invitae), Labcorp); PubMed 35352813 (cited by Ambry Genetics); PubMed 37838930 (cited by Ambry Genetics and Labcorp Genetics (formerly Invitae), Labcorp).

NM_000117.3(EMD):c.104AGA[2] (p.Lys37del)

Gene: EMD (emerin; plus strand). Cytogenetic location: Xq28.
Variant type: Microsatellite.
Coding change: c.104AGA[2] on transcript NM_000117.3 (MANE Select); two copies in a row of the 3-base unit AGA starting at c.104; the reference has three copies in a row; one copy, 3 bases deleted; also written c.110_112del.
Protein change: p.Lys37del; deletes lysine 37.
Molecular consequence: inframe deletion.
Genome position (GRCh38, 1-based): chrX:154,379,717-154,379,719, AGA deleted; deleting any 3 consecutive bases within chrX:154,379,711-154,379,719 gives the same sequence; the position shown is the placement nearest the transcript's 3' end. VCF-style (leftmost placement, unchanged base first): chrX-154379710-GAGA-G. GRCh37 (hg19) VCF-style: chrX-153608070-GAGA-G.
Other names: c.110_112del (NM_000117.3); c.110_112delAGA (NM_000117.2); short protein forms K37del.
Identifiers: ClinVar variation 1066332 (VCV001066332.29), dbSNP rs782507902, ClinGen allele CA10561512.